The following is an entry in ClinVar:

ClinVar aggregate classification (germline): Benign. Review status: criteria provided, multiple submitters, no conflicts (2 of 4 stars). 2 submissions from 2 submitters: Benign (2). Last evaluated 2018-06-14.

Allele frequency attached by ClinVar (database versions not stated): 1000 Genomes Project 30x 0.31839; 1000 Genomes Project 0.32049; TOPMed 0.37624; gnomAD 0.39888 and 0.39909; gnomAD exomes 0.46959.
gnomAD v4.1: 281,241 of 623,538 alleles (45%); highest among the groups gnomAD compares: Non-Finnish European, 51%; 68,594 homozygotes.

Submissions (2):

GeneDx
Classification: Benign. Last evaluated: 2018-06-14. Review status: criteria provided, single submitter. Criteria: GeneDx Variant Classification (06012015). Collection method: clinical testing. Allele origin: germline. Affected: yes.
Comment: This variant is considered likely benign or benign based on one or more of the following criteria: it is a conservative change, it occurs at a poorly conserved position in the protein, it is predicted to be benign by multiple in silico algorithms, and/or has population frequency not consistent with disease.

Breakthrough Genomics
Classification: Benign. Review status: criteria provided, single submitter. Criteria: ACMG Guidelines, 2015. Collection method: not provided. Allele origin: germline. Inheritance: Autosomal recessive inheritance. Affected: yes.

NM_032578.4(MYPN):c.1460-151T>A

Gene: MYPN (myopalladin; plus strand). Cytogenetic location: 10q21.3.
Variant type: single nucleotide variant.
Coding change: c.1460-151T>A on transcript NM_032578.4 (MANE Select); 151 bases into the intron before coding-DNA position 1460, T replaced by A.
Molecular consequence: intron variant.
Genome position (GRCh38, 1-based): chr10:68,161,578, T>A. VCF-style: chr10-68161578-T-A. GRCh37 (hg19) VCF-style: chr10-69921335-T-A.
Other names: c.1460-151T>A (NM_001256267.2); c.578-151T>A (NM_001256268.2).
Identifiers: ClinVar variation 672831 (VCV000672831.2), dbSNP rs10823142, ClinGen allele CA15652637.